The following is an entry in ClinVar:

ClinVar aggregate classification (germline): Benign. Review status: criteria provided, multiple submitters, no conflicts (2 of 4 stars). 2 submissions from 2 submitters: Benign (2). Last evaluated 2018-01-12.

Conditions:
Amish lethal microcephaly (MCPHA). Also called: THIAMINE METABOLISM DYSFUNCTION SYNDROME 3 (MICROCEPHALY TYPE); MICROCEPHALY, AMISH TYPE. Identifiers: Orphanet 99742, MedGen C1846648, MONDO:0011790, OMIM 607196.

Allele frequency attached by ClinVar (database versions not stated): gnomAD exomes 0.02775; gnomAD 0.05669 and 0.05711; TOPMed 0.06347; 1000 Genomes Project 0.10383; 1000 Genomes Project 30x 0.11056.
gnomAD v4.1: 13,424 of 326,742 alleles (4.1%); highest among the groups gnomAD compares: African/African-American, 16%; 926 homozygotes.

Submissions (2):

Illumina Laboratory Services, Illumina
Classification: Benign for Amish lethal microcephaly. Last evaluated: 2018-01-12. Review status: criteria provided, single submitter. Criteria: ICSL Variant Classification Criteria 13 December 2019. Collection method: clinical testing. Allele origin: germline.
Comment: This variant was observed in the ICSL laboratory as part of a predisposition screen in an ostensibly healthy population. It had not been previously curated by ICSL or reported in the Human Gene Mutation Database (HGMD: prior to June 1st, 2018), and was therefore a candidate for classification through an automated scoring system. Utilizing variant allele frequency, disease prevalence and penetrance estimates, and inheritance mode, an automated score was calculated to assess if this variant is too frequent to cause the disease. Based on the score and internal cut-off values, a variant classified as benign is not then subjected to further curation. The score for this variant resulted in a classification of benign for this disease.

Breakthrough Genomics
Classification: Benign. Review status: criteria provided, single submitter. Criteria: ACMG Guidelines, 2015. Collection method: not provided. Allele origin: germline. Inheritance: Autosomal recessive inheritance. Affected: yes.

NM_001126121.2(SLC25A19):c.*437T>G

Genes: MIF4GD-DT (MIF4GD divergent transcript; plus strand), SLC25A19 (solute carrier family 25 member 19; minus strand). Cytogenetic location: 17q25.1.
Variant type: single nucleotide variant.
Coding change: c.*437T>G on transcript NM_001126121.2 (MANE Select); 437 bases downstream of the stop codon, T replaced by G.
Molecular consequence: 3 prime UTR variant. On other transcripts: non-coding transcript variant (1).
Genome position (GRCh38, 1-based): chr17:75,273,014, A>C on the plus strand (T>G on the coding strand, the complement: SLC25A19 is on the minus strand). VCF-style: chr17-75273014-A-C. GRCh37 (hg19) VCF-style: chr17-73269095-A-C.
Other names: c.*437T>G (NM_001126122.2, NM_021734.5).
Identifiers: ClinVar variation 325061 (VCV000325061.6), dbSNP rs73356384, ClinGen allele CA10650937.